The following is an entry in ClinVar:

ClinVar aggregate classification (germline): Likely benign. Review status: criteria provided, multiple submitters, no conflicts (2 of 4 stars). 2 submissions from 2 submitters: Likely benign (2). Last evaluated 2024-09-01.

Allele frequency attached by ClinVar (database versions not stated): gnomAD exomes 0.00005 and 0.00002; gnomAD 0.00007 and 0.00009; TOPMed 0.00009; ESP Exome Variant Server 0.00015; ExAC 0.00005.
gnomAD v4.1: 50 of 1,613,984 alleles (0.0031%); highest among the groups gnomAD compares: South Asian, 0.016%; no homozygotes.

Submissions (2):

CeGaT Center for Human Genetics Tuebingen
Classification: Likely benign. Last evaluated: 2024-09-01. Review status: criteria provided, single submitter. Criteria: CeGaT Center For Human Genetics Tuebingen Variant Classification Criteria Version 2. Collection method: clinical testing. Allele origin: germline. Affected: yes. Observed: 1 variant allele.
Comment: PLXND1: BP4, BP7

Labcorp Genetics (formerly Invitae), Labcorp
Classification: Likely benign. Last evaluated: 2018-05-16. Review status: criteria provided, single submitter. Criteria: Invitae Variant Classification Sherloc (09022015). Collection method: clinical testing. Allele origin: germline.

NM_015103.3(PLXND1):c.1824C>T (p.Ser608=)

Gene: PLXND1 (plexin D1; minus strand). Cytogenetic location: 3q22.1.
Variant type: single nucleotide variant.
Coding change: c.1824C>T on transcript NM_015103.3 (MANE Select); coding-DNA position 1824, C replaced by T.
Protein change: p.Ser608=; no amino-acid change (serine 608 retained).
Molecular consequence: synonymous variant.
Genome position (GRCh38, 1-based): chr3:129,585,979, G>A on the plus strand (C>T on the coding strand, the complement: PLXND1 is on the minus strand). VCF-style: chr3-129585979-G-A. GRCh37 (hg19) VCF-style: chr3-129304822-G-A.
Identifiers: ClinVar variation 743005 (VCV000743005.17), dbSNP rs367808121, ClinGen allele CA2609239.